The following is an entry in ClinVar:

NM_025074.7(FRAS1):c.5180G>C (p.Ser1727Thr)

Gene: FRAS1 (Fraser extracellular matrix complex subunit 1; plus strand). Cytogenetic location: 4q21.21.
Variant type: single nucleotide variant.
Coding change: c.5180G>C on transcript NM_025074.7 (MANE Select); coding-DNA position 5180, G replaced by C.
Protein change: p.Ser1727Thr; replaces serine 1727 with threonine.
Molecular consequence: missense variant.
Genome position (GRCh38, 1-based): chr4:78,432,567, G>C. VCF-style: chr4-78432567-G-C. GRCh37 (hg19) VCF-style: chr4-79353721-G-C.
Other names: c.5180G>C, p.Ser1727Thr (NM_001166133.2); short protein forms S1727T.
Identifiers: ClinVar variation 3591018 (VCV003591018.3).
Genomic context (GRCh38, chr4:78,432,567, plus strand): 5'-AAGACCGAGGGCCTCGACTGGCTGCTGGCTCCTCTCTGAGCATTACTGTTGCCAGTAAAA[G>C]CACAGCCATAATCACTAGGTCACACCTTGCTTACGTGGTAAGTTCTTCCATTTGCTGTGT-3'
Protein context (NP_079350.5, residues 1717-1737): SSLSITVASK[Ser1727Thr]TAIITRSHLA

ClinVar aggregate classification (germline): Uncertain significance. Review status: criteria provided, multiple submitters, no conflicts (2 of 4 stars). 2 submissions from 2 submitters: Uncertain significance (2). Last evaluated 2024-06-17.

Conditions:
Fraser syndrome 1 (FRASRS1). Also called: CRYPTOPHTHALMOS WITH OTHER MALFORMATIONS. Identifiers: Orphanet 2052, MedGen C4551480, MONDO:0054737, OMIM 219000.

gnomAD v4.1: 2 of 1,609,718 alleles (0.00012%); highest among the groups gnomAD compares: East Asian, 0.0022%; no homozygotes.

Submissions (2):

Fulgent Genetics
Classification: Uncertain significance for Fraser syndrome 1. Last evaluated: 2024-06-17. Review status: criteria provided, single submitter. Criteria: ACMG Guidelines, 2015. Collection method: clinical testing. Allele origin: germline.

Labcorp Genetics (formerly Invitae), Labcorp
Classification: Uncertain significance. Last evaluated: 2024-05-30. Review status: criteria provided, single submitter. Criteria: Invitae Variant Classification Sherloc (09022015). Collection method: clinical testing. Allele origin: germline.
Comment: This sequence change replaces serine, which is neutral and polar, with threonine, which is neutral and polar, at codon 1727 of the FRAS1 protein (p.Ser1727Thr). This variant is not present in population databases (gnomAD no frequency). This variant has not been reported in the literature in individuals affected with FRAS1-related conditions. Advanced modeling of protein sequence and biophysical properties (such as structural, functional, and spatial information, amino acid conservation, physicochemical variation, residue mobility, and thermodynamic stability) performed at Invitae indicates that this missense variant is not expected to disrupt FRAS1 protein function with a negative predictive value of 80%. In summary, the available evidence is currently insufficient to determine the role of this variant in disease. Therefore, it has been classified as a Variant of Uncertain Significance.